The following is an entry in ClinVar:

NM_000540.3(RYR1):c.6488G>A (p.Arg2163His)

Gene: RYR1 (ryanodine receptor 1; plus strand). Cytogenetic location: 19q13.2.
Variant type: single nucleotide variant.
Coding change: c.6488G>A on transcript NM_000540.3 (MANE Select); coding-DNA position 6488, G replaced by A.
Protein change: p.Arg2163His; replaces arginine 2163 with histidine.
Molecular consequence: missense variant.
Genome position (GRCh38, 1-based): chr19:38,494,565, G>A. VCF-style: chr19-38494565-G-A. GRCh37 (hg19) VCF-style: chr19-38985205-G-A.
Other names: NM_000540.3(RYR1):c.6488G>A; c.6488G>A, p.Arg2163His (NM_001042723.2); short protein forms R2163H.
Identifiers: ClinVar variation 12974 (VCV000012974.26), dbSNP rs118192163, ClinGen allele CA024593.

ClinVar aggregate classification (germline): Pathogenic; drug response. Review status: reviewed by expert panel (3 of 4 stars). 17 submissions from 11 submitters: Pathogenic (1). 9 of the submissions do not count toward it. Last evaluated 2022-03-29.

Conditions:
Central core myopathy (CMYO1A). Also called: CONGENITAL MYOPATHY 1A, AUTOSOMAL DOMINANT, WITH SUSCEPTIBILITY TO MALIGNANT HYPERTHERMIA; Central core disease; Myopathy, central fibrillar. Identifiers: Orphanet 597, MedGen C5830701, MONDO:0007294, OMIM 117000.
King Denborough syndrome (KDS). Identifiers: MedGen C1840365, MONDO:0020485, OMIM 619542.
Congenital multicore myopathy with external ophthalmoplegia (CMYO1B). Also called: Minicore myopathy with external ophthalmoplegia; Congenital myopathy 1B, autosomal recessive; Minicore myopathy; MULTICORE MYOPATHY; MULTIMINICORE DISEASE WITH EXTERNAL OPHTHALMOPLEGIA. Identifiers: Orphanet 598, Orphanet 98905, MedGen C1850674, MONDO:0009712, OMIM 255320, HP:0003789.
Malignant hyperthermia, susceptibility to, 1 (MHS1). Also called: RYR1-Related Malignant Hyperthermia Susceptibility; Malignant hyperthermia suceptibility 1; Anesthesia related hyperthermia; Malignant hyperpyrexia; Fulminating hyperpyrexia; Pharmacogenic myopathy. Identifiers: Orphanet 423, MedGen C2930980, MONDO:0007783, OMIM 145600.
RYR1-related disorder. Also called: RYR1-related disorders; RYR1-related condition. Identifiers: MedGen CN239331.
succinylcholine response - Toxicity.
methoxyflurane response - Toxicity.
sevoflurane response - Toxicity.
halothane response - Toxicity.
isoflurane response - Toxicity.
enflurane response - Toxicity.
desflurane response - Toxicity.
Malignant hyperthermia. Identifiers: MedGen C5779784, HP:0002047.

Allele frequency attached by ClinVar (database versions not stated): TOPMed below 0.00001.
gnomAD v4.1: 2 of 1,614,076 alleles (0.00012%); highest among the groups gnomAD compares: Non-Finnish European, 0.00017%; no homozygotes.

Submissions 1 to 12 of 17:

ClinGen Malignant Hyperthermia Susceptibility Variant Curation Expert Panel, ClinGen
Classification: Pathogenic for Malignant hyperthermia, susceptibility to, 1. Last evaluated: 2022-03-29. Review status: reviewed by expert panel. Criteria: ClinGen MHS ACMG Specifications V2. Collection method: curation. Allele origin: germline. Inheritance: Autosomal dominant inheritance.
Comment: This pathogenicity assessment is relevant only for malignant hyperthermia susceptibility (MHS) inherited in an autosomal dominant pattern. Variants in RYR1 can also cause other myopathies inherited in an autosomal dominant pattern or in an autosomal recessive pattern. Some of these disorders may predispose individuals to malignant hyperthermia. RYR1 variants may also contribute to a malignant hyperthermia reaction in combination with other genetic and non-genetic factors and the clinician needs to consider such factors in making management decisions. This sequence variant predicts a substitution of Arginine with Histidine at codon 2163 of the RYR1 protein, p.(Arg2163His). This variant is not present in a large population database (gnomAD) at the time this variant was interpreted. This variant has been reported in 16 unrelated individuals who have a personal or family history of a malignant hyperthermia reaction, 14 of these individuals had a positive in vitro contracture test (IVCT) or caffeine halothane contracture test (CHCT) result (if the proband was unavailable for testing, a positive diagnostic test result in a mutation-positive relative was counted), PS4 (PMID:30236257, PMID:9497245, PMID:21455645, PMID:15731587, PMID:23558838). This variant has been identified in three individuals with negative IVCT/CHCT results, BS2 (PMID:30236257). Functional studies in HEK293 cells show an increased sensitivity to RYR1 agonists, PS3_Moderate (PMID:9334205). Additional functional studies in dyspedic myotubes were published for this variant, this assay is not considered a standard assay by the ClinGen RYR1 VCEP for MHS (PMID:12732639, PMID:15347586). This variant resides in a region of RYR1 considered to be a hotspot for pathogenic variants that contribute to MHS, PM1 (PMID: 21118704). This variant segregates with MHS in seven families, PP1_Strong (PMID:30236257, PMID:9497245). A REVEL score >0.85 (0.933) supports a pathogenic status for this variant, PP3_Moderate. Based on using Bayes to combine criteria this variant is assessed as Pathogenic, (PMID: 29300386). Criteria implemented: PS3_Moderate, PS4, PM1, PP1_Strong, PP3_Moderate, BS2.

ClinPGx
Classification: drug response for desflurane response - Toxicity. Last evaluated: 2021-03-24. Review status: reviewed by expert panel. Criteria: Pharmacogenomics knowledge for personalized medicine. Collection method: curation. Allele origin: germline. Affected: yes.
Comment: PharmGKB Level of Evidence 1A: Level 1A clinical annotations describe variant-drug combinations that have variant-specific prescribing guidance available in a current clinical guideline annotation or an FDA-approved drug label annotation. Annotations of drug labels or clinical guidelines must give prescribing guidance for specific variants (e.g. CYP2C9*3, HLA-B*57:01) or provide mapping from defined allele functions to diplotypes and phenotypes to be used as supporting evidence for a level 1A clinical annotation. Level 1A clinical annotations must also be supported by at least one publication in addition to a clinical guideline or drug label with variant-specific prescribing guidance.

Drug is not necessarily used to treat response condition

ClinPGx
Classification: drug response for enflurane response - Toxicity. Last evaluated: 2021-03-24. Review status: reviewed by expert panel. Criteria: Pharmacogenomics knowledge for personalized medicine. Collection method: curation. Allele origin: germline. Affected: yes.
Comment: the same text as in the submission from ClinPGx above.

ClinPGx
Classification: drug response for halothane response - Toxicity. Last evaluated: 2021-03-24. Review status: reviewed by expert panel. Criteria: Pharmacogenomics knowledge for personalized medicine. Collection method: curation. Allele origin: germline. Affected: yes.
Comment: the same text as in the submission from ClinPGx above.

ClinPGx
Classification: drug response for isoflurane response - Toxicity. Last evaluated: 2021-03-24. Review status: reviewed by expert panel. Criteria: Pharmacogenomics knowledge for personalized medicine. Collection method: curation. Allele origin: germline. Affected: yes.
Comment: the same text as in the submission from ClinPGx above.

ClinPGx
Classification: drug response for methoxyflurane response - Toxicity. Last evaluated: 2021-03-24. Review status: reviewed by expert panel. Criteria: Pharmacogenomics knowledge for personalized medicine. Collection method: curation. Allele origin: germline. Affected: yes.
Comment: the same text as in the submission from ClinPGx above.

ClinPGx
Classification: drug response for sevoflurane response - Toxicity. Last evaluated: 2021-03-24. Review status: reviewed by expert panel. Criteria: Pharmacogenomics knowledge for personalized medicine. Collection method: curation. Allele origin: germline. Affected: yes.
Comment: the same text as in the submission from ClinPGx above.

ClinPGx
Classification: drug response for succinylcholine response - Toxicity. Last evaluated: 2021-03-24. Review status: reviewed by expert panel. Criteria: Pharmacogenomics knowledge for personalized medicine. Collection method: curation. Allele origin: germline. Affected: yes.
Comment: the same text as in the submission from ClinPGx above.

Clinical Genetics Laboratory, Skane University Hospital Lund
Classification: Pathogenic for Malignant hyperthermia. Last evaluated: 2026-05-29. Review status: criteria provided, single submitter. Criteria: ACMG Guidelines, 2015. Collection method: clinical testing. Allele origin: germline. Affected: yes. Not counted in ClinVar's aggregate classification.
Comment: Classified pathogenic by ClinGen Malignant Hyperthermia Susceptibility Variant Curation Expert Panel and by The European Malignant Hyperthermia (MH) Group.

Labcorp Genetics (formerly Invitae), Labcorp
Classification: Pathogenic for RYR1-related disorder. Last evaluated: 2025-04-09. Review status: criteria provided, single submitter. Criteria: Invitae Variant Classification Sherloc (09022015). Collection method: clinical testing. Allele origin: germline. Not counted in ClinVar's aggregate classification.
Comment: This sequence change replaces arginine, which is basic and polar, with histidine, which is basic and polar, at codon 2163 of the RYR1 protein (p.Arg2163His). This variant is not present in population databases (gnomAD no frequency). This missense change has been observed in individual(s) with malignant hyperthermia susceptibility (MHS) with or without central core disease and/or severe congenital myopathy (PMID: 9497245, 12124989, 19648156, 29169929, 30236257). It has also been observed to segregate with disease in related individuals. ClinVar contains an entry for this variant (Variation ID: 12974). Invitae Evidence Modeling of protein sequence and biophysical properties (such as structural, functional, and spatial information, amino acid conservation, physicochemical variation, residue mobility, and thermodynamic stability) indicates that this missense variant is expected to disrupt RYR1 protein function with a positive predictive value of 80%. Experimental studies have shown that this missense change affects RYR1 function (PMID: 9334205, 9873004, 11524458, 27586648, 28687594). For these reasons, this variant has been classified as Pathogenic.

GeneDx
Classification: Pathogenic. Last evaluated: 2023-10-04. Review status: criteria provided, single submitter. Criteria: GeneDx Variant Classification Process June 2021. Collection method: clinical testing. Allele origin: germline. Affected: yes. Not counted in ClinVar's aggregate classification.
Comment: Observed with a second variant on the opposite allele (in trans) in a patient with arthrogryposis multiplex congenita and respiratory impairment in published literature (Brackmann et al., 2018); Not observed at significant frequency in large population cohorts (gnomAD); Published functional studies demonstrate a damaging effect: increased sensitivity to calcium- and halothane-induced intracellular calcium release when compared to the wild type channel (Tong et al., 1997; Avila et al., 2001); In silico analysis supports that this missense variant has a deleterious effect on protein structure/function; This variant is associated with the following publications: (PMID: 9873004, 20301565, 11524458, 30236257, 10757649, 16917943, 16732084, 16835904, 27586648, 28687594, 9497245, 35428369, 12124989, 12668474, 29169929, 19648156, 9334205)

Revvity Omics, Revvity
Classification: Pathogenic. Last evaluated: 2020-03-25. Review status: criteria provided, single submitter. Criteria: ACMG Guidelines, 2015. Collection method: clinical testing. Allele origin: germline. Not counted in ClinVar's aggregate classification.